The following is an entry in ClinVar:

NM_007194.4(CHEK2):c.468C>A (p.Tyr156Ter)

Gene: CHEK2 (checkpoint kinase 2; minus strand). Cytogenetic location: 22q12.1.
Variant type: single nucleotide variant.
Coding change: c.468C>A on transcript NM_007194.4 (MANE Select); coding-DNA position 468, C replaced by A.
Protein change: p.Tyr156Ter; replaces tyrosine 156 with a stop codon.
Molecular consequence: nonsense. On other transcripts: 5 prime UTR variant (2), intron variant (1).
Genome position (GRCh38, 1-based): chr22:28,725,101, G>T on the plus strand (C>A on the coding strand, the complement: CHEK2 is on the minus strand). VCF-style: chr22-28725101-G-T. GRCh37 (hg19) VCF-style: chr22-29121089-G-T.
Other names: c.-310C>A (NM_001257387.3); c.-196C>A (NM_001437942.1); c.561C>A, p.Tyr187Ter (NM_001438293.1, NM_001438295.1); c.597C>A, p.Tyr199Ter (NM_001438294.1, NM_001005735.3); c.468C>A, p.Tyr156Ter (NM_145862.3); c.444+142C>A (NM_001349956.3); short protein forms Y156*, Y199*, Y187*.
Identifiers: ClinVar variation 530095 (VCV000530095.13), dbSNP rs1555926996, ClinGen allele CA411107669.
Genomic context (GRCh38, chr22:28,725,101, plus strand): 5'-CCCTACAAGCTCTGTATTTACAAAGGTTCCATTGCCACTGTGATCTTCTATGTATGCAAT[G>T]TAAGAGTTTTTAGGACCCACTTCCTAAAATAGAGAACATTTTGTTTCAGACTTTGAATAG-3'

ClinVar aggregate classification (germline): Pathogenic. Review status: criteria provided, multiple submitters, no conflicts (2 of 4 stars). 3 submissions from 3 submitters: Pathogenic (3). Last evaluated 2023-06-23.

Conditions:
Hereditary cancer-predisposing syndrome. Also called: Hereditary neoplastic syndrome; Neoplastic Syndromes, Hereditary; Hereditary Cancer Syndrome; Tumor predisposition. Identifiers: Orphanet 140162, MedGen C0027672, MeSH D009386, MONDO:0015356.
Familial cancer of breast. Also called: BREAST CANCER, FAMILIAL; Hereditary breast cancer; hereditary breast carcinoma. Identifiers: Orphanet 227535, MedGen C0346153, MONDO:0016419, OMIM 114480. Disease mechanism: loss of function.

Submissions (3):

Myriad Genetics, Inc.
Classification: Pathogenic for Familial cancer of breast. Last evaluated: 2023-06-23. Review status: criteria provided, single submitter. Criteria: Myriad Autosomal Dominant, Autosomal Recessive and X-Linked Classification Criteria (2023). Collection method: clinical testing. Allele origin: unknown.
Comment: This variant is considered pathogenic. This variant creates a termination codon and is predicted to result in premature protein truncation.

Labcorp Genetics (formerly Invitae), Labcorp
Classification: Pathogenic for Familial cancer of breast. Last evaluated: 2022-10-16. Review status: criteria provided, single submitter. Criteria: Invitae Variant Classification Sherloc (09022015). Collection method: clinical testing. Allele origin: germline.
Comment: This variant has not been reported in the literature in individuals affected with CHEK2-related conditions. This variant is not present in population databases (gnomAD no frequency). This sequence change creates a premature translational stop signal (p.Tyr156*) in the CHEK2 gene. It is expected to result in an absent or disrupted protein product. Loss-of-function variants in CHEK2 are known to be pathogenic (PMID: 21876083, 24713400). ClinVar contains an entry for this variant (Variation ID: 530095). For these reasons, this variant has been classified as Pathogenic.

Ambry Genetics
Classification: Pathogenic for Hereditary cancer-predisposing syndrome. Last evaluated: 2022-08-30. Review status: criteria provided, single submitter. Criteria: Ambry Variant Classification Scheme 2023. Collection method: clinical testing. Allele origin: germline.
Comment: The p.Y156* pathogenic mutation (also known as c.468C>A), located in coding exon 3 of the CHEK2 gene, results from a C to A substitution at nucleotide position 468. This changes the amino acid from a tyrosine to a stop codon within coding exon 3. This alteration is expected to result in loss of function by premature protein truncation or nonsense-mediated mRNA decay. As such, this alteration is interpreted as a disease-causing mutation.

Literature cited by the submitters: PubMed 21876083 (cited by Labcorp Genetics (formerly Invitae), Labcorp); PubMed 24713400 (cited by Labcorp Genetics (formerly Invitae), Labcorp).